The following is an entry in ClinVar:

NM_001035.3(RYR2):c.6555+3A>G

Gene: RYR2 (ryanodine receptor 2; plus strand). Cytogenetic location: 1q43.
Variant type: single nucleotide variant.
Coding change: c.6555+3A>G on transcript NM_001035.3 (MANE Select); 3 bases into the intron after coding-DNA position 6555, A replaced by G.
Molecular consequence: intron variant.
Genome position (GRCh38, 1-based): chr1:237,631,544, A>G. VCF-style: chr1-237631544-A-G. GRCh37 (hg19) VCF-style: chr1-237794844-A-G.
Identifiers: ClinVar variation 3070156 (VCV003070156.1), dbSNP rs2546907607, ClinGen allele CA2825000950.

ClinVar aggregate classification (germline): Uncertain significance (1 of 4 stars; one submission).

Conditions:
Catecholaminergic polymorphic ventricular tachycardia (CVPT). Also called: Catecholamine-induced polymorphic ventricular tachycardia. Identifiers: Orphanet 3286, MedGen C5574922, MONDO:0017990.

Submission:

All of Us Research Program, National Institutes of Health
Classification: Uncertain significance for Catecholaminergic polymorphic ventricular tachycardia. Last evaluated: 2023-04-03. Review status: criteria provided, single submitter. Criteria: ACMG Guidelines, 2015. Collection method: clinical testing. Allele origin: germline. Inheritance: Autosomal dominant inheritance. Observed: 1 variant allele, 1 heterozygote.
Comment: This variant causes an A to G nucleotide substitution at the +3 position of intron 42 of the RYR2 gene. Splice site prediction tools suggest that this variant may have a significant impact on RNA splicing. To our knowledge, functional studies have not been reported for this variant. This variant has not been reported in individuals affected with RYR2-related disorders in the literature. This variant has not been identified in the general population by the Genome Aggregation Database (gnomAD). The available evidence is insufficient to determine the role of this variant in disease conclusively. Therefore, this variant is classified as a Variant of Uncertain Significance.

This study involves interpretation of variants in research participants for the purpose of population health screening. Participant phenotype was not available at the time of variant classification. Additional details can be found in publication PMID: 35346344, PMCID: PMC8962531